The following is an entry in ClinVar:

NM_012210.4(TRIM32):c.20C>T (p.Ser7Phe)

Genes: ASTN2 (astrotactin 2; minus strand), TRIM32 (tripartite motif containing 32; plus strand). Cytogenetic location: 9q33.1.
Variant type: single nucleotide variant.
Coding change: c.20C>T on transcript NM_012210.4 (MANE Select); coding-DNA position 20, C replaced by T.
Protein change: p.Ser7Phe; replaces serine 7 with phenylalanine.
Molecular consequence: missense variant. On other transcripts: intron variant (3).
Genome position (GRCh38, 1-based): chr9:116,697,762, C>T. VCF-style: chr9-116697762-C-T. GRCh37 (hg19) VCF-style: chr9-119460041-C-T.
Other names: c.20C>T, p.Ser7Phe (NM_001099679.2, NM_001379048.1, NM_001379049.1 and 1 more transcripts); c.2653+28009G>A (NM_014010.5); c.2794+28009G>A (NM_001365069.1); c.2806+28009G>A (NM_001365068.1); short protein forms S7F.
Identifiers: ClinVar variation 2171515 (VCV002171515.4), dbSNP rs1380464140, ClinGen allele CA374647391.

ClinVar aggregate classification (germline): Uncertain significance. Review status: criteria provided, multiple submitters, no conflicts (2 of 4 stars). 2 submissions from 2 submitters: Uncertain significance (2). Last evaluated 2026-06-01.

Conditions:
TRIM32-related disorder. Also called: TRIM32-related condition.
Bardet-Biedl syndrome (BBS). Identifiers: Orphanet 110, MedGen C0752166, MONDO:0015229.

Allele frequency attached by ClinVar (database versions not stated): gnomAD 0.00001; gnomAD exomes 0.00001; TOPMed 0.00002.
gnomAD v4.1: 7 of 1,613,972 alleles (0.00043%); highest among the groups gnomAD compares: Admixed American, 0.0067%; no homozygotes.

Submissions (2):

PreventionGenetics, part of Exact Sciences
Classification: Uncertain significance for TRIM32-related condition. Last evaluated: 2026-06-01. Review status: criteria provided, single submitter. Criteria: ACMG Guidelines, 2015. Collection method: clinical testing. Allele origin: germline.
Comment: The TRIM32 c.20C>T variant is predicted to result in the amino acid substitution p.Ser7Phe. To our knowledge, this variant has not been reported in the literature. This variant is reported in 0.014% of alleles in individuals of Latino descent in gnomAD. At this time, the clinical significance of this variant is uncertain due to the absence of conclusive functional and genetic evidence.

Labcorp Genetics (formerly Invitae), Labcorp
Classification: Uncertain significance for Bardet-Biedl syndrome. Last evaluated: 2022-07-18. Review status: criteria provided, single submitter. Criteria: Invitae Variant Classification Sherloc (09022015). Collection method: clinical testing. Allele origin: germline.
Comment: This sequence change replaces serine, which is neutral and polar, with phenylalanine, which is neutral and non-polar, at codon 7 of the TRIM32 protein (p.Ser7Phe). This variant is present in population databases (no rsID available, gnomAD 0.01%). This variant has not been reported in the literature in individuals affected with TRIM32-related conditions. Algorithms developed to predict the effect of missense changes on protein structure and function are either unavailable or do not agree on the potential impact of this missense change (SIFT: "Deleterious"; PolyPhen-2: "Possibly Damaging"; Align-GVGD: "Class C15"). In summary, the available evidence is currently insufficient to determine the role of this variant in disease. Therefore, it has been classified as a Variant of Uncertain Significance.